The following is an entry in ClinVar:

NM_001371986.1(UNC80):c.1552+2T>C

Gene: UNC80 (unc-80 subunit of NALCN channel complex; plus strand). Cytogenetic location: 2q34.
Variant type: single nucleotide variant.
Coding change: c.1552+2T>C on transcript NM_001371986.1 (MANE Select); the canonical splice donor site of the intron after coding-DNA position 1552, T replaced by C.
Molecular consequence: splice donor variant.
Genome position (GRCh38, 1-based): chr2:209,817,127, T>C. VCF-style: chr2-209817127-T-C. GRCh37 (hg19) VCF-style: chr2-210681851-T-C.
Other names: c.1552+2T>C (NM_032504.2, NM_182587.4).
Identifiers: ClinVar variation 3012602 (VCV003012602.3), dbSNP rs867000687, ClinGen allele CA64666563.
Genomic context (GRCh38, chr2:209,817,127, plus strand): 5'-TGGGCTGGGAGAAGACAGGCGAGGAATTGAGAAAGGAGGCTGGCAAACCACCATTTTAGG[T>C]GACCACAAGGCCTTCCAAAATAGGGCAGAGTTTAAGTGACCTGTTTAGAACTGGATCTAG-3'

ClinVar aggregate classification (germline): Likely pathogenic (1 of 4 stars; one submission).

Allele frequency attached by ClinVar (database versions not stated): gnomAD exomes below 0.00001; gnomAD 0.00001.
gnomAD v4.1: 3 of 1,551,146 alleles (0.00019%); highest among the groups gnomAD compares: Non-Finnish European, 0.00026%; no homozygotes.

Submission:

Labcorp Genetics (formerly Invitae), Labcorp
Classification: Likely pathogenic. Last evaluated: 2023-02-27. Review status: criteria provided, single submitter. Criteria: Invitae Variant Classification Sherloc (09022015). Collection method: clinical testing. Allele origin: germline.
Comment: This variant is present in population databases (no rsID available, gnomAD 0.003%). This sequence change affects a donor splice site in intron 10 of the UNC80 gene. It is expected to disrupt RNA splicing. Variants that disrupt the donor or acceptor splice site typically lead to a loss of protein function (PMID: 16199547), and loss-of-function variants in UNC80 are known to be pathogenic (PMID: 26545877, 26708751, 26708753). In summary, the currently available evidence indicates that the variant is pathogenic, but additional data are needed to prove that conclusively. Therefore, this variant has been classified as Likely Pathogenic. Algorithms developed to predict the effect of sequence changes on RNA splicing suggest that this variant may disrupt the consensus splice site. This variant has not been reported in the literature in individuals affected with UNC80-related conditions.

Literature cited by the submitters: PubMed 16199547; PubMed 26545877; PubMed 26708751; PubMed 26708753.